The following is an entry in ClinVar:

NM_144991.3(TSPEAR):c.922G>A (p.Ala308Thr)

Gene: TSPEAR (thrombospondin type laminin G domain and EAR repeats; minus strand). Cytogenetic location: 21q22.3.
Variant type: single nucleotide variant.
Coding change: c.922G>A on transcript NM_144991.3 (MANE Select); coding-DNA position 922, G replaced by A.
Protein change: p.Ala308Thr; replaces alanine 308 with threonine.
Molecular consequence: missense variant.
Genome position (GRCh38, 1-based): chr21:44,528,452, C>T on the plus strand (G>A on the coding strand, the complement: TSPEAR is on the minus strand). VCF-style: chr21-44528452-C-T. GRCh37 (hg19) VCF-style: chr21-45948335-C-T.
Other names: c.718G>A, p.Ala240Thr (NM_001272037.2); short protein forms A240T, A308T.
Identifiers: ClinVar variation 2504486 (VCV002504486.1), dbSNP rs1308716987, ClinGen allele CA410442744.

ClinVar aggregate classification (germline): Uncertain significance (1 of 4 stars; one submission).

Submission:

GeneDx
Classification: Uncertain significance. Last evaluated: 2022-12-01. Review status: criteria provided, single submitter. Criteria: GeneDx Variant Classification Process June 2021. Collection method: clinical testing. Allele origin: germline. Affected: yes.
Comment: Not observed at significant frequency in large population cohorts (gnomAD); In silico analysis supports that this missense variant has a deleterious effect on splicing; In silico analysis supports that this missense variant does not alter protein structure/function; Has not been previously published as pathogenic or benign to our knowledge